The following is an entry in ClinVar:

NM_014714.4(IFT140):c.2066C>T (p.Ala689Val)

Gene: IFT140 (intraflagellar transport 140; minus strand). Cytogenetic location: 16p13.3.
Variant type: single nucleotide variant.
Coding change: c.2066C>T on transcript NM_014714.4 (MANE Select); coding-DNA position 2066, C replaced by T.
Protein change: p.Ala689Val; replaces alanine 689 with valine.
Molecular consequence: missense variant.
Genome position (GRCh38, 1-based): chr16:1,563,998, G>A on the plus strand (C>T on the coding strand, the complement: IFT140 is on the minus strand). VCF-style: chr16-1563998-G-A. GRCh37 (hg19) VCF-style: chr16-1613999-G-A.
Other names: short protein forms A689V.
Identifiers: ClinVar variation 1005374 (VCV001005374.10), dbSNP rs147290396, ClinGen allele CA7814032.

ClinVar aggregate classification (germline): Uncertain significance. Review status: criteria provided, multiple submitters, no conflicts (2 of 4 stars). 3 submissions from 3 submitters: Uncertain significance (3). Last evaluated 2024-11-05.

Conditions:
Retinitis pigmentosa 80 (RP80). Identifiers: MedGen C4540439, MONDO:0054708, OMIM 617781.
Saldino-Mainzer syndrome (SRTD9). Also called: CONORENAL SYNDROME; Renal dysplasia, retinal pigmentary dystrophy, cerebellar ataxia and skeletal dysplasia; short-rib thoracic dysplasia 9 with or without polydactyly; SHORT-RIB THORACIC DYSPLASIA 9 WITHOUT POLYDACTYLY. Identifiers: Orphanet 140969, MedGen C1849437, MONDO:0009964, OMIM 266920.

Allele frequency attached by ClinVar (database versions not stated): ExAC 0.00004; gnomAD 0.00004; gnomAD exomes 0.00004; TOPMed 0.00005; ESP Exome Variant Server 0.00008.
gnomAD v4.1: 59 of 1,572,768 alleles (0.0038%); highest among the groups gnomAD compares: African/African-American, 0.012%; no homozygotes.

Submissions (3):

Labcorp Genetics (formerly Invitae), Labcorp
Classification: Uncertain significance for Saldino-Mainzer syndrome. Last evaluated: 2024-11-05. Review status: criteria provided, single submitter. Criteria: Invitae Variant Classification Sherloc (09022015). Collection method: clinical testing. Allele origin: germline.
Comment: This sequence change replaces alanine, which is neutral and non-polar, with valine, which is neutral and non-polar, at codon 689 of the IFT140 protein (p.Ala689Val). The frequency data for this variant in the population databases is considered unreliable, as metrics indicate poor data quality at this position in the gnomAD database. This variant has not been reported in the literature in individuals affected with IFT140-related conditions. ClinVar contains an entry for this variant (Variation ID: 1005374). An algorithm developed to predict the effect of missense changes on protein structure and function (PolyPhen-2) suggests that this variant is likely to be tolerated. In summary, the available evidence is currently insufficient to determine the role of this variant in disease. Therefore, it has been classified as a Variant of Uncertain Significance.

Fulgent Genetics
Classification: Uncertain significance for Saldino-Mainzer syndrome; Retinitis pigmentosa 80. Last evaluated: 2024-06-18. Review status: criteria provided, single submitter. Criteria: ACMG Guidelines, 2015. Collection method: clinical testing. Allele origin: germline.

Blueprint Genetics
Classification: Uncertain significance. Last evaluated: 2024-06-17. Review status: criteria provided, single submitter. Criteria: ACMG Guidelines, 2015. Collection method: clinical testing. Allele origin: germline.